The following is an entry in ClinVar:

NC_000011.9:g.(?_47353422)_(47355581_?)del

Gene: MYBPC3 (myosin binding protein C3; minus strand). Cytogenetic location: 11p11.2.
Variant type: Deletion.
Identifiers: ClinVar variation 3244525 (VCV003244525.1).

ClinVar aggregate classification (germline): Pathogenic (1 of 4 stars; one submission).

Conditions:
Hypertrophic cardiomyopathy. Also called: HYPERTROPHIC MYOCARDIOPATHY. Identifiers: Orphanet 217569, MedGen C0007194, MeSH D002312, MONDO:0005045, HP:0001639.

Submission:

Labcorp Genetics (formerly Invitae), Labcorp
Classification: Pathogenic for Hypertrophic cardiomyopathy. Last evaluated: 2023-09-18. Review status: criteria provided, single submitter. Criteria: Invitae Variant Classification Sherloc (09022015). Collection method: clinical testing. Allele origin: unknown.
Comment: This variant is a gross deletion of the genomic region encompassing exon(s) 28-34 of the MYBPC3 gene, which includes the termination codon. This deletion extends beyond the assayed region for this gene and therefore may encompass additional genes. While this deletion is not anticipated to lead to nonsense mediated decay, it is expected to alter mRNA translation or result in a truncated protein product. This variant has not been reported in the literature in individuals affected with MYBPC3-related conditions. This variant disrupts a region of the MYBPC3 protein in which other variant(s) (p.Arg1271*) have been determined to be pathogenic (PMID: 18533079, 19574547, 23396983; Invitae). This suggests that this is a clinically significant region of the protein, and that variants that disrupt it are likely to be disease-causing. For these reasons, this variant has been classified as Pathogenic.

Literature cited by the submitters: PubMed 18533079; PubMed 19574547; PubMed 23396983.